The following is an entry in ClinVar:

ClinVar aggregate classification (germline): Conflicting classifications of pathogenicity. Review status: criteria provided, conflicting classifications (1 of 4 stars). 2 submissions from 2 submitters: Uncertain significance (1); Likely benign (1). Last evaluated 2025-06-27.

Conditions:
PLXNA2-related disorder. Also called: PLXNA2-related condition.

gnomAD v4.1: 5 of 1,614,072 alleles (0.00031%); highest among the groups gnomAD compares: African/African-American, 0.0067%; no homozygotes.

Submissions (2):

PreventionGenetics, part of Exact Sciences
Classification: Uncertain significance for PLXNA2-related condition. Last evaluated: 2025-06-27. Review status: criteria provided, single submitter. Criteria: ACMG Guidelines, 2015. Collection method: clinical testing. Allele origin: germline.
Comment: The PLXNA2 c.4239C>A variant is not predicted to result in an amino acid change (p.=). This variant is predicted to alter splicing based on available splicing prediction programs (Alamut Visual Plus v1.6.1). However, the use of computer prediction programs is not equivalent to functional evidence. To our knowledge, this variant has not been reported in the literature or in a large population database (gnomAD), indicating this variant is rare. At this time, the clinical significance of this variant is uncertain due to the absence of conclusive functional and genetic evidence.

Labcorp Genetics (formerly Invitae), Labcorp
Classification: Likely benign. Last evaluated: 2024-12-04. Review status: criteria provided, single submitter. Criteria: Invitae Variant Classification Sherloc (09022015). Collection method: clinical testing. Allele origin: germline.

NM_025179.4(PLXNA2):c.4239C>A (p.Ile1413=)

Gene: PLXNA2 (plexin A2; minus strand). Cytogenetic location: 1q32.2.
Variant type: single nucleotide variant.
Coding change: c.4239C>A on transcript NM_025179.4 (MANE Select); coding-DNA position 4239, C replaced by A.
Protein change: p.Ile1413=; no amino-acid change (isoleucine 1413 retained).
Molecular consequence: synonymous variant.
Genome position (GRCh38, 1-based): chr1:208,042,145, G>T on the plus strand (C>A on the coding strand, the complement: PLXNA2 is on the minus strand). VCF-style: chr1-208042145-G-T. GRCh37 (hg19) VCF-style: chr1-208215490-G-T.
Other names: c.4239C>A (NM_025179.3).
Identifiers: ClinVar variation 3622330 (VCV003622330.3).